The following is an entry in ClinVar:

ClinVar aggregate classification (germline): Uncertain significance (1 of 4 stars; one submission).

Conditions:
Leukocyte adhesion deficiency type II. Also called: Congenital disorder of glycosylation type 2C; CDG 2C; Leukocyte adhesion deficiency type 2; Rambam Hasharon syndrome; CONGENITAL DISORDER OF GLYCOSYLATION, TYPE IIc; CDG IIc. Identifiers: Orphanet 2968, Orphanet 99843, MedGen C0398739, MONDO:0009953, OMIM 266265.

Allele frequency attached by ClinVar (database versions not stated): ExAC 0.00001.
gnomAD v4.1: 3 of 1,607,300 alleles (0.00019%); highest among the groups gnomAD compares: Non-Finnish European, 0.00025%; no homozygotes.

Submission:

Labcorp Genetics (formerly Invitae), Labcorp
Classification: Uncertain significance for Leukocyte adhesion deficiency type II. Last evaluated: 2022-07-23. Review status: criteria provided, single submitter. Criteria: Invitae Variant Classification Sherloc (09022015). Collection method: clinical testing. Allele origin: germline.
Comment: In summary, the available evidence is currently insufficient to determine the role of this variant in disease. Therefore, it has been classified as a Variant of Uncertain Significance. Algorithms developed to predict the effect of missense changes on protein structure and function (SIFT, PolyPhen-2, Align-GVGD) all suggest that this variant is likely to be tolerated. This variant has not been reported in the literature in individuals affected with SLC35C1-related conditions. This variant is present in population databases (rs780802442, gnomAD 0.0009%). This sequence change replaces alanine, which is neutral and non-polar, with proline, which is neutral and non-polar, at codon 114 of the SLC35C1 protein (p.Ala114Pro).

NM_018389.5(SLC35C1):c.340G>C (p.Ala114Pro)

Gene: SLC35C1 (solute carrier family 35 member C1; plus strand). Cytogenetic location: 11p11.2.
Variant type: single nucleotide variant.
Coding change: c.340G>C on transcript NM_018389.5 (MANE Select); coding-DNA position 340, G replaced by C.
Protein change: p.Ala114Pro; replaces alanine 114 with proline.
Molecular consequence: missense variant.
Genome position (GRCh38, 1-based): chr11:45,806,141, G>C. VCF-style: chr11-45806141-G-C. GRCh37 (hg19) VCF-style: chr11-45827692-G-C.
Other names: c.301G>C, p.Ala101Pro (NM_001145265.2, NM_001145266.2); short protein forms A101P, A114P.
Identifiers: ClinVar variation 1713615 (VCV001713615.5), dbSNP rs780802442, ClinGen allele CA5958226.